The following is an entry in ClinVar:

ClinVar aggregate classification (germline): Uncertain significance. Review status: criteria provided, multiple submitters, no conflicts (2 of 4 stars). 2 submissions from 2 submitters: Uncertain significance (2). Last evaluated 2024-04-05.

Conditions:
Hereditary cancer-predisposing syndrome. Also called: Hereditary Cancer Syndrome; Neoplastic Syndromes, Hereditary; Tumor predisposition; Hereditary neoplastic syndrome. Identifiers: Orphanet 140162, MedGen C0027672, MeSH D009386, MONDO:0015356.

Allele frequency attached by ClinVar (database versions not stated): gnomAD exomes below 0.00001.

Submissions (2):

Ambry Genetics
Classification: Uncertain significance for Hereditary cancer-predisposing syndrome. Last evaluated: 2024-04-05. Review status: criteria provided, single submitter. Criteria: Ambry Variant Classification Scheme 2023. Collection method: clinical testing. Allele origin: germline.
Comment: The p.L2416V variant (also known as c.7246C>G), located in coding exon 15 of the APC gene, results from a C to G substitution at nucleotide position 7246. The leucine at codon 2416 is replaced by valine, an amino acid with highly similar properties. This amino acid position is highly conserved in available vertebrate species. In addition, in silico predictors for this gene do not accurately predict pathogenicity. Since supporting evidence is limited at this time, the clinical significance of this alteration remains unclear.

Color Diagnostics, LLC DBA Color Health
Classification: Uncertain significance for Hereditary cancer-predisposing syndrome. Last evaluated: 2023-12-05. Review status: criteria provided, single submitter. Criteria: ACMG Guidelines, 2015. Collection method: clinical testing. Allele origin: germline.
Comment: This missense variant replaces leucine with valine at codon 2416 of the APC protein. Computational prediction suggests that this variant may not impact protein structure and function (internally defined REVEL score threshold <= 0.5, PMID: 27666373). To our knowledge, functional studies have not been reported for this variant. This variant has not been reported in individuals affected with APC-related disorders in the literature. This variant has been identified in 1/250074 chromosomes in the general population by the Genome Aggregation Database (gnomAD). The available evidence is insufficient to determine the role of this variant in disease conclusively. Therefore, this variant is classified as a Variant of Uncertain Significance.

NM_000038.6(APC):c.7246C>G (p.Leu2416Val)

Gene: APC (APC regulator of Wnt signaling pathway; plus strand). Cytogenetic location: 5q22.2.
Variant type: single nucleotide variant.
Coding change: c.7246C>G on transcript NM_000038.6 (MANE Select); coding-DNA position 7246, C replaced by G.
Protein change: p.Leu2416Val; replaces leucine 2416 with valine.
Molecular consequence: missense variant.
Genome position (GRCh38, 1-based): chr5:112,842,840, C>G. VCF-style: chr5-112842840-C-G. GRCh37 (hg19) VCF-style: chr5-112178537-C-G.
Other names: c.7246C>G, p.Leu2416Val (NM_001127510.3, NM_001354895.2); c.7192C>G, p.Leu2398Val (NM_001127511.3); c.7300C>G, p.Leu2434Val (NM_001354896.2); c.7276C>G, p.Leu2426Val (NM_001354897.2); c.7171C>G, p.Leu2391Val (NM_001354898.2); c.7162C>G, p.Leu2388Val (NM_001354899.2); c.7123C>G, p.Leu2375Val (NM_001354900.2); c.7069C>G, p.Leu2357Val (NM_001354901.2); and 5 more; short protein forms L2398V, L2416V, L2388V, L2391V, L2133V, L2256V, L2426V, L2290V.
Identifiers: ClinVar variation 489493 (VCV000489493.9), dbSNP rs1482981174, ClinGen allele CA16037116.